The following is an entry in ClinVar:

ClinVar aggregate classification (germline): Uncertain significance. Review status: criteria provided, multiple submitters, no conflicts (2 of 4 stars). 2 submissions from 2 submitters: Uncertain significance (2). Last evaluated 2025-10-01.

Conditions:
Hereditary cancer-predisposing syndrome. Also called: Neoplastic Syndromes, Hereditary; Tumor predisposition; Hereditary Cancer Syndrome; Hereditary neoplastic syndrome. Identifiers: Orphanet 140162, MedGen C0027672, MeSH D009386, MONDO:0015356.
Oligodontia-cancer predisposition syndrome. Also called: TOOTH AGENESIS-COLORECTAL CANCER SYNDROME. Identifiers: Orphanet 300576, MedGen C1837750, MONDO:0012075, OMIM 608615. Disease mechanism: loss of function.

Allele frequency attached by ClinVar (database versions not stated): gnomAD exomes below 0.00001; ExAC 0.00001.
gnomAD v4.1: 2 of 1,614,212 alleles (0.00012%); highest among the groups gnomAD compares: Non-Finnish European, 0.00017%; no homozygotes.

Submissions (2):

Labcorp Genetics (formerly Invitae), Labcorp
Classification: Uncertain significance for Oligodontia-cancer predisposition syndrome. Last evaluated: 2025-10-01. Review status: criteria provided, single submitter. Criteria: Invitae Variant Classification Sherloc (09022015). Collection method: clinical testing. Allele origin: germline.
Comment: This sequence change replaces glutamic acid, which is acidic and polar, with lysine, which is basic and polar, at codon 231 of the AXIN2 protein (p.Glu231Lys). This variant is present in population databases (rs761299800, gnomAD 0.0009%). This variant has not been reported in the literature in individuals affected with AXIN2-related conditions. ClinVar contains an entry for this variant (Variation ID: 464639). Invitae Evidence Modeling of protein sequence and biophysical properties (such as structural, functional, and spatial information, amino acid conservation, physicochemical variation, residue mobility, and thermodynamic stability) indicates that this missense variant is expected to disrupt AXIN2 protein function with a positive predictive value of 80%. In summary, the available evidence is currently insufficient to determine the role of this variant in disease. Therefore, it has been classified as a Variant of Uncertain Significance.

Ambry Genetics
Classification: Uncertain significance for Hereditary cancer-predisposing syndrome. Last evaluated: 2024-10-15. Review status: criteria provided, single submitter. Criteria: Ambry Variant Classification Scheme 2023. Collection method: clinical testing. Allele origin: germline.
Comment: The p.E231K variant (also known as c.691G>A), located in coding exon 1 of the AXIN2 gene, results from a G to A substitution at nucleotide position 691. The glutamic acid at codon 231 is replaced by lysine, an amino acid with similar properties. This amino acid position is highly conserved in available vertebrate species. In addition, the in silico prediction for this alteration is inconclusive. Since supporting evidence is limited at this time, the clinical significance of this alteration remains unclear.

NM_004655.4(AXIN2):c.691G>A (p.Glu231Lys)

Gene: AXIN2 (axin 2; minus strand). Cytogenetic location: 17q24.1.
Variant type: single nucleotide variant.
Coding change: c.691G>A on transcript NM_004655.4 (MANE Select); coding-DNA position 691, G replaced by A.
Protein change: p.Glu231Lys; replaces glutamic acid 231 with lysine.
Molecular consequence: missense variant.
Genome position (GRCh38, 1-based): chr17:65,557,930, C>T on the plus strand (G>A on the coding strand, the complement: AXIN2 is on the minus strand). VCF-style: chr17-65557930-C-T. GRCh37 (hg19) VCF-style: chr17-63554048-C-T.
Other names: c.691G>A, p.Glu231Lys (NM_001363813.1); c.691G>A (LRG_296t1); short protein forms E231K.
Identifiers: ClinVar variation 464639 (VCV000464639.11), dbSNP rs761299800, ClinGen allele CA8719008.